The following is an entry in ClinVar:

NM_000038.6(APC):c.3306C>G (p.Tyr1102Ter)

Gene: APC (APC regulator of Wnt signaling pathway; plus strand). Cytogenetic location: 5q22.2.
Variant type: single nucleotide variant.
Coding change: c.3306C>G on transcript NM_000038.6 (MANE Select); coding-DNA position 3306, C replaced by G.
Protein change: p.Tyr1102Ter; replaces tyrosine 1102 with a stop codon.
Molecular consequence: nonsense.
Genome position (GRCh38, 1-based): chr5:112,838,900, C>G. VCF-style: chr5-112838900-C-G. GRCh37 (hg19) VCF-style: chr5-112174597-C-G.
Other names: c.3306C>G, p.Tyr1102Ter (NM_001127510.3, NM_001354895.2); c.3252C>G, p.Tyr1084Ter (NM_001127511.3); c.3360C>G, p.Tyr1120Ter (NM_001354896.2); c.3336C>G, p.Tyr1112Ter (NM_001354897.2); c.3231C>G, p.Tyr1077Ter (NM_001354898.2); c.3222C>G, p.Tyr1074Ter (NM_001354899.2); c.3183C>G, p.Tyr1061Ter (NM_001354900.2); c.3129C>G, p.Tyr1043Ter (NM_001354901.2); and 5 more; short protein forms Y1102*, Y1084*, Y1043*, Y1112*, Y1120*, Y976*, Y1061*, Y1074*.
Identifiers: ClinVar variation 469916 (VCV000469916.14), dbSNP rs879254092, ClinGen allele CA16028590.

ClinVar aggregate classification (germline): Pathogenic. Review status: criteria provided, multiple submitters, no conflicts (2 of 4 stars). 3 submissions from 3 submitters: Pathogenic (3). Last evaluated 2023-11-08.

Conditions:
Hereditary cancer-predisposing syndrome. Also called: Hereditary neoplastic syndrome; Neoplastic Syndromes, Hereditary; Tumor predisposition; Hereditary Cancer Syndrome. Identifiers: Orphanet 140162, MedGen C0027672, MeSH D009386, MONDO:0015356.
Familial adenomatous polyposis 1 (FAP1). Also called: POLYPOSIS, ADENOMATOUS INTESTINAL; FAMILIAL ADENOMATOUS POLYPOSIS 1, ATTENUATED. Identifiers: MedGen C2713442, MONDO:0021056, OMIM 175100. Disease mechanism: loss of function.

Submissions (3):

Labcorp Genetics (formerly Invitae), Labcorp
Classification: Pathogenic for Familial adenomatous polyposis 1. Last evaluated: 2023-11-08. Review status: criteria provided, single submitter. Criteria: Invitae Variant Classification Sherloc (09022015). Collection method: clinical testing. Allele origin: germline.
Comment: This sequence change creates a premature translational stop signal (p.Tyr1102*) in the APC gene. While this is not anticipated to result in nonsense mediated decay, it is expected to disrupt the last 1742 amino acid(s) of the APC protein. This variant is not present in population databases (gnomAD no frequency). This premature translational stop signal has been observed in individual(s) with familial adenomatous polyposis (FAP) (PMID: 1316610, 18224684). ClinVar contains an entry for this variant (Variation ID: 469916). This variant is expected to disrupt the EB1 and HDLG binding sites, which mediate interactions with the cytoskeleton (PMID: 15311282, 17293347). While functional studies have not been performed to directly test the effect on APC protein function, this suggests that disruption of the C-terminal portion of the protein is functionally important. A different truncation (p.Tyr2645Lysfs*14) that lies downstream of this variant has been determined to be pathogenic (PMID: 9824584, 1316610, 27081525, 8381579, 22135120, Invitae). This suggests that deletion of this region of the APC protein is causative of disease. For these reasons, this variant has been classified as Pathogenic.

Myriad Genetics, Inc.
Classification: Pathogenic for Familial adenomatous polyposis 1. Last evaluated: 2023-05-08. Review status: criteria provided, single submitter. Criteria: Myriad Autosomal Dominant, Autosomal Recessive and X-Linked Classification Criteria (2023). Collection method: clinical testing. Allele origin: unknown.
Comment: This variant is considered pathogenic. This variant creates a termination codon and is predicted to result in premature protein truncation.

Ambry Genetics
Classification: Pathogenic for Hereditary cancer-predisposing syndrome. Last evaluated: 2022-11-10. Review status: criteria provided, single submitter. Criteria: Ambry Variant Classification Scheme 2023. Collection method: clinical testing. Allele origin: germline.
Comment: The p.Y1102* pathogenic mutation (also known as c.3306C>G), located in coding exon 15 of the APC gene, results from a C to G substitution at nucleotide position 3306. This changes the amino acid from a tyrosine to a stop codon within coding exon 15. This alteration is expected to result in loss of function by premature protein truncation. As such, this alteration is interpreted as a disease-causing mutation.

Literature cited by the submitters: PubMed 1316610 (cited by Labcorp Genetics (formerly Invitae), Labcorp and Ambry Genetics); PubMed 18224684 (cited by Labcorp Genetics (formerly Invitae), Labcorp); PubMed 15311282 (cited by Labcorp Genetics (formerly Invitae), Labcorp); PubMed 17293347 (cited by Labcorp Genetics (formerly Invitae), Labcorp); PubMed 9824584 (cited by Labcorp Genetics (formerly Invitae), Labcorp); PubMed 27081525 (cited by Labcorp Genetics (formerly Invitae), Labcorp); PubMed 8381579 (cited by Labcorp Genetics (formerly Invitae), Labcorp); PubMed 22135120 (cited by Labcorp Genetics (formerly Invitae), Labcorp).